The following is an entry in ClinVar:

NM_006254.4(PRKCD):c.1301del (p.Asp434fs)

Gene: PRKCD (protein kinase C delta; plus strand). Cytogenetic location: 3p21.1.
Variant type: Deletion.
Coding change: c.1301del on transcript NM_006254.4 (MANE Select); coding-DNA position 1301, one base deleted (A; older notation c.1301delA).
Protein change: p.Asp434fs; shifts the reading frame from aspartic acid 434.
Molecular consequence: frameshift variant.
Genome position (GRCh38, 1-based): chr3:53,186,644, A deleted. VCF-style (leftmost placement, unchanged base first): chr3-53186643-GA-G. GRCh37 (hg19) VCF-style: chr3-53220659-GA-G.
Other names: c.1301del, p.Asp434fs (NM_001316327.2, NM_001354679.2, NM_001354680.2 and 1 more transcripts); c.1358del, p.Asp453fs (NM_001354676.2); c.1349del, p.Asp450fs (NM_001354678.2); short protein forms D434fs, D450fs, D453fs.
Identifiers: ClinVar variation 1072331 (VCV001072331.5), dbSNP rs781824115, ClinGen allele CA2452139.
Genomic context (GRCh38, chr3:53,186,643, plus strand): 5'-TCACCACCCTTCCCACCCCAGGACCACCTGTTCTTTGTGATGGAGTTCCTCAACGGGGGG[GA>G]CCTGATGTACCACATCCAGGACAAAGGCCGCTTTGAACTCTACCGTGCCACGTACGTAAG-3'

ClinVar aggregate classification (germline): Pathogenic (1 of 4 stars; one submission).

Conditions:
Autoimmune lymphoproliferative syndrome, type III caused by mutation in PRKCD. Identifiers: Orphanet 3261, Orphanet 664711, MedGen C3809928, MONDO:8000024, OMIM 615559.

Allele frequency attached by ClinVar (database versions not stated): ExAC 0.00001; gnomAD 0.00001; 1000 Genomes Project 30x 0.00016.

Submission:

Labcorp Genetics (formerly Invitae), Labcorp
Classification: Pathogenic for Autoimmune lymphoproliferative syndrome, type III caused by mutation in PRKCD. Last evaluated: 2020-06-26. Review status: criteria provided, single submitter. Criteria: Invitae Variant Classification Sherloc (09022015). Collection method: clinical testing. Allele origin: germline.
Comment: This sequence change creates a premature translational stop signal (p.Asp434Alafs*2) in the PRKCD gene. It is expected to result in an absent or disrupted protein product. The frequency data for this variant in the population databases is considered unreliable, as metrics indicate poor data quality at this position in the ExAC database. For these reasons, this variant has been classified as Pathogenic. Loss-of-function variants in PRKCD are known to be pathogenic (PMID: 11976687, 23319571, 23430113). This variant has not been reported in the literature in individuals with PRKCD-related conditions.

Literature cited by the submitters: PubMed 11976687; PubMed 23319571; PubMed 23430113.